The following is an entry in ClinVar:

NM_014639.4(SKIC3):c.3931+3A>G

Gene: SKIC3 (SKI3 subunit of superkiller complex; minus strand). Cytogenetic location: 5q15.
Variant type: single nucleotide variant.
Coding change: c.3931+3A>G on transcript NM_014639.4 (MANE Select); 3 bases into the intron after coding-DNA position 3931, A replaced by G.
Molecular consequence: intron variant.
Genome position (GRCh38, 1-based): chr5:95,490,905, T>C on the plus strand (A>G on the coding strand, the complement: SKIC3 is on the minus strand). VCF-style: chr5-95490905-T-C. GRCh37 (hg19) VCF-style: chr5-94826609-T-C.
Identifiers: ClinVar variation 3690344 (VCV003690344.2).

ClinVar aggregate classification (germline): Uncertain significance (1 of 4 stars; one submission).

gnomAD v4.1: 6 of 1,613,964 alleles (0.00037%); highest among the groups gnomAD compares: African/African-American, 0.008%; no homozygotes.

Submission:

Labcorp Genetics (formerly Invitae), Labcorp
Classification: Uncertain significance. Last evaluated: 2024-10-27. Review status: criteria provided, single submitter. Criteria: Invitae Variant Classification Sherloc (09022015). Collection method: clinical testing. Allele origin: germline.
Comment: This sequence change falls in intron 37 of the TTC37 gene. It does not directly change the encoded amino acid sequence of the TTC37 protein. It affects a nucleotide within the consensus splice site. This variant is present in population databases (rs776672375, gnomAD 0.02%). This variant has not been reported in the literature in individuals affected with TTC37-related conditions. Variants that disrupt the consensus splice site are a relatively common cause of aberrant splicing (PMID: 17576681, 9536098). Algorithms developed to predict the effect of sequence changes on RNA splicing suggest that this variant is not likely to affect RNA splicing. In summary, the available evidence is currently insufficient to determine the role of this variant in disease. Therefore, it has been classified as a Variant of Uncertain Significance.

Literature cited by the submitters: PubMed 17576681; PubMed 9536098.